The following is an entry in ClinVar:

NM_000290.4(PGAM2):c.268C>T (p.Arg90Trp)

Genes: DBNL (drebrin like; plus strand), PGAM2 (phosphoglycerate mutase 2; minus strand). Cytogenetic location: 7p13.
Variant type: single nucleotide variant.
Coding change: c.268C>T on transcript NM_000290.4 (MANE Select); coding-DNA position 268, C replaced by T.
Protein change: p.Arg90Trp; replaces arginine 90 with tryptophan.
Molecular consequence: missense variant. On other transcripts: 3 prime UTR variant (6).
Genome position (GRCh38, 1-based): chr7:44,065,262, G>A on the plus strand (C>T on the coding strand, the complement: PGAM2 is on the minus strand). VCF-style: chr7-44065262-G-A. GRCh37 (hg19) VCF-style: chr7-44104861-G-A.
Other names: c.*4346G>A (NM_001014436.3, NM_001122956.2, NM_001284313.2 and 3 more transcripts); short protein forms R90W.
Identifiers: ClinVar variation 420 (VCV000000420.7), dbSNP rs104894034, ClinGen allele CA114261.

ClinVar aggregate classification (germline): Uncertain significance. Review status: criteria provided, multiple submitters, no conflicts (2 of 4 stars). 3 submissions from 3 submitters: Uncertain significance (2). 1 of the submissions does not count toward it. Last evaluated 2022-05-05.

Conditions:
Glycogen storage disease type X (GSD10). Also called: Dimauro disease; MYOPATHY DUE TO PHOSPHOGLYCERATE MUTASE DEFICIENCY; PGAMM DEFICIENCY; PHOSPHOGLYCERATE MUTASE, MUSCLE, DEFICIENCY OF; GSD X; Glycogen storage disease due to phosphoglycerate mutase deficiency. Identifiers: Orphanet 97234, MedGen C0268149, MONDO:0009865, OMIM 261670.

Allele frequency attached by ClinVar (database versions not stated): gnomAD 0.00001; ExAC 0.00002; gnomAD exomes 0.00002; TOPMed 0.00005; 1000 Genomes Project 30x 0.00016; 1000 Genomes Project 0.00020.
gnomAD v4.1: 27 of 1,613,672 alleles (0.0017%); highest among the groups gnomAD compares: Middle Eastern, 0.016%; 1 homozygote.

Submissions (3):

Labcorp Genetics (formerly Invitae), Labcorp
Classification: Uncertain significance for Glycogen storage disease type X. Last evaluated: 2022-05-05. Review status: criteria provided, single submitter. Criteria: Invitae Variant Classification Sherloc (09022015). Collection method: clinical testing. Allele origin: germline.
Comment: This sequence change replaces arginine, which is basic and polar, with tryptophan, which is neutral and slightly polar, at codon 90 of the PGAM2 protein (p.Arg90Trp). This variant is present in population databases (rs104894034, gnomAD 0.005%). This missense change has been observed in individual(s) with phosphoglycerate mutase deficiency (PMID: 8447317). It has also been observed to segregate with disease in related individuals. ClinVar contains an entry for this variant (Variation ID: 420). Algorithms developed to predict the effect of missense changes on protein structure and function (SIFT, PolyPhen-2, Align-GVGD) all suggest that this variant is likely to be disruptive. In summary, the available evidence is currently insufficient to determine the role of this variant in disease. Therefore, it has been classified as a Variant of Uncertain Significance.

Eurofins Ntd Llc (ga)
Classification: Uncertain significance. Last evaluated: 2015-08-13. Review status: criteria provided, single submitter. Criteria: EGL Classification Definitions 2015. Collection method: clinical testing. Allele origin: germline. Observed: 1 variant allele, 1 heterozygote.

OMIM
Classification: Pathogenic for GLYCOGEN STORAGE DISEASE X. Last evaluated: 1993-03-01. Review status: no assertion criteria provided. Collection method: literature only. Allele origin: germline. Not counted in ClinVar's aggregate classification.

Literature cited by the submitters: PubMed 8447317 (cited by Labcorp Genetics (formerly Invitae), Labcorp and OMIM); Vita, G., Toscano, A., Bresolin, N., Meola, G., Barbiroli, B., Baradello, A., Messina, C. Muscle phosphoglycerate mutase (PGAM) deficiency in the 1st Caucasian patient. (Abstract) Neurology 40: 296-only, 1990. (cited by OMIM).